The following is an entry in ClinVar:

NM_001171.6(ABCC6):c.1999G>T (p.Ala667Ser)

Gene: ABCC6 (ATP binding cassette subfamily C member 6; minus strand). Cytogenetic location: 16p13.11.
Variant type: single nucleotide variant.
Coding change: c.1999G>T on transcript NM_001171.6 (MANE Select); coding-DNA position 1999, G replaced by T.
Protein change: p.Ala667Ser; replaces alanine 667 with serine.
Molecular consequence: missense variant. On other transcripts: non-coding transcript variant (1).
Genome position (GRCh38, 1-based): chr16:16,182,875, C>A on the plus strand (G>T on the coding strand, the complement: ABCC6 is on the minus strand). VCF-style: chr16-16182875-C-A. GRCh37 (hg19) VCF-style: chr16-16276732-C-A.
Other names: c.1657G>T, p.Ala553Ser (NM_001351800.1); short protein forms A553S, A667S.
Identifiers: ClinVar variation 2012771 (VCV002012771.1), dbSNP rs771260023, ClinGen allele CA7926060.

ClinVar aggregate classification (germline): Uncertain significance (1 of 4 stars; one submission).

Allele frequency attached by ClinVar (database versions not stated): ExAC 0.00001.
gnomAD v4.1: 1 of 1,614,024 alleles (0.000062%); highest among the groups gnomAD compares: South Asian, 0.0011%; no homozygotes.

Submission:

Labcorp Genetics (formerly Invitae), Labcorp
Classification: Uncertain significance. Last evaluated: 2022-07-01. Review status: criteria provided, single submitter. Criteria: Invitae Variant Classification Sherloc (09022015). Collection method: clinical testing. Allele origin: germline.
Comment: This sequence change replaces alanine, which is neutral and non-polar, with serine, which is neutral and polar, at codon 667 of the ABCC6 protein (p.Ala667Ser). This variant is present in population databases (rs771260023, gnomAD 0.003%). This variant has not been reported in the literature in individuals affected with ABCC6-related conditions. Advanced modeling of protein sequence and biophysical properties (such as structural, functional, and spatial information, amino acid conservation, physicochemical variation, residue mobility, and thermodynamic stability) performed at Invitae indicates that this missense variant is not expected to disrupt ABCC6 protein function. In summary, the available evidence is currently insufficient to determine the role of this variant in disease. Therefore, it has been classified as a Variant of Uncertain Significance.